The following is an entry in ClinVar:

ClinVar aggregate classification (germline): Uncertain significance (1 of 4 stars; one submission).

Conditions:
Dyskeratosis congenita, autosomal dominant 2. Identifiers: MedGen C3151443, MONDO:0013521, OMIM 613989.
Idiopathic Pulmonary Fibrosis. Also called: Idiopathic fibrosing alveolitis, chronic form; idiopathic fibrosing alveolitis. Identifiers: Orphanet 2032, MedGen C1800706, MeSH D054990, MONDO:0800504.

Submission:

Labcorp Genetics (formerly Invitae), Labcorp
Classification: Uncertain significance for Dyskeratosis congenita, autosomal dominant 2; Idiopathic Pulmonary Fibrosis. Last evaluated: 2021-07-25. Review status: criteria provided, single submitter. Criteria: Invitae Variant Classification Sherloc (09022015). Collection method: clinical testing. Allele origin: germline.
Comment: In summary, the available evidence is currently insufficient to determine the role of this variant in disease. Therefore, it has been classified as a Variant of Uncertain Significance. Advanced modeling of protein sequence and biophysical properties (such as structural, functional, and spatial information, amino acid conservation, physicochemical variation, residue mobility, and thermodynamic stability) performed at Invitae indicates that this missense variant is not expected to disrupt TERT protein function. This variant has not been reported in the literature in individuals affected with TERT-related conditions. This variant is not present in population databases (ExAC no frequency). This sequence change replaces asparagine with lysine at codon 204 of the TERT protein (p.Asn204Lys). The asparagine residue is weakly conserved and there is a moderate physicochemical difference between asparagine and lysine.

NM_198253.3(TERT):c.612C>A (p.Asn204Lys)

Gene: TERT (telomerase reverse transcriptase; minus strand). Cytogenetic location: 5p15.33.
Variant type: single nucleotide variant.
Coding change: c.612C>A on transcript NM_198253.3 (MANE Select); coding-DNA position 612, C replaced by A.
Protein change: p.Asn204Lys; replaces asparagine 204 with lysine.
Molecular consequence: missense variant. On other transcripts: non-coding transcript variant (2).
Genome position (GRCh38, 1-based): chr5:1,294,274, G>T on the plus strand (C>A on the coding strand, the complement: TERT is on the minus strand). VCF-style: chr5-1294274-G-T. GRCh37 (hg19) VCF-style: chr5-1294389-G-T.
Other names: c.612C>A, p.Asn204Lys (NM_001193376.3); short protein forms N204K.
Identifiers: ClinVar variation 1507582 (VCV001507582.8), dbSNP rs2126688826, ClinGen allele CA359057181.